The following is an entry in ClinVar:

ClinVar aggregate classification (germline): Uncertain significance. Review status: criteria provided, multiple submitters, no conflicts (2 of 4 stars). 5 submissions from 4 submitters: Uncertain significance (5). Last evaluated 2025-10-01.

Conditions:
Inborn genetic diseases. Identifiers: MedGen C0950123, MeSH D030342.
Agammaglobulinemia 8, autosomal dominant (AGM8A). Also called: AGAMMAGLOBULINEMIA, AUTOSOMAL DOMINANT, DUE TO TCF3 DEFECT; AGAMMAGLOBULINEMIA 8A, AUTOSOMAL DOMINANT. Identifiers: MedGen C4310786, MONDO:0014840, OMIM 616941.
Agammaglobulinemia 8b, autosomal recessive. Also called: AGAMMAGLOBULINEMIA, AUTOSOMAL RECESSIVE, DUE TO TCF3 DEFECT. Identifiers: MedGen C5676958, MONDO:0859234, OMIM 619824.

Allele frequency attached by ClinVar (database versions not stated): ExAC 0.00004; ESP Exome Variant Server 0.00008; gnomAD exomes 0.00008 and 0.00025; gnomAD 0.00011; TOPMed 0.00011.
gnomAD v4.1: 383 of 1,612,886 alleles (0.024%); highest among the groups gnomAD compares: Non-Finnish European, 0.031%; no homozygotes.

Submissions (5):

Labcorp Genetics (formerly Invitae), Labcorp
Classification: Uncertain significance. Last evaluated: 2025-10-01. Review status: criteria provided, single submitter. Criteria: Invitae Variant Classification Sherloc (09022015). Collection method: clinical testing. Allele origin: germline.
Comment: This sequence change replaces glutamic acid, which is acidic and polar, with lysine, which is basic and polar, at codon 77 of the TCF3 protein (p.Glu77Lys). This variant is present in population databases (rs138963927, gnomAD 0.02%). This variant has not been reported in the literature in individuals affected with TCF3-related conditions. ClinVar contains an entry for this variant (Variation ID: 626027). Invitae Evidence Modeling of protein sequence and biophysical properties (such as structural, functional, and spatial information, amino acid conservation, physicochemical variation, residue mobility, and thermodynamic stability) indicates that this missense variant is not expected to disrupt TCF3 protein function with a negative predictive value of 80%. In summary, the available evidence is currently insufficient to determine the role of this variant in disease. Therefore, it has been classified as a Variant of Uncertain Significance.

Blueprint Genetics
Classification: Uncertain significance. Last evaluated: 2024-10-14. Review status: criteria provided, single submitter. Criteria: ACMG Guidelines, 2015. Collection method: clinical testing. Allele origin: germline.

Ambry Genetics
Classification: Uncertain significance for Inborn genetic diseases. Last evaluated: 2021-06-11. Review status: criteria provided, single submitter. Criteria: Ambry Variant Classification Scheme 2023. Collection method: clinical testing. Allele origin: germline.

Center for Genomics, Ann and Robert H. Lurie Children's Hospital of Chicago
Classification: Uncertain significance for Agammaglobulinemia 8, autosomal dominant. Last evaluated: 2018-10-12. Review status: criteria provided, single submitter. Criteria: ACMG Guidelines, 2015. Collection method: clinical testing. Allele origin: germline.
Comment: TCF3 NM_003200.3 exon 5 p.Glu77Lys (c.229G>A): This variant has not been reported in the literature but is present in 0.01% (24/125150) of European alleles in the Genome Aggregation Database. Evolutionary conservation is limited or unavailable; computational predictive tools suggest that this variant may not impact the protein. In summary, data on this variant is insufficient for disease classification. Therefore, the clinical significance of this variant is uncertain.

Center for Genomics, Ann and Robert H. Lurie Children's Hospital of Chicago
Classification: Uncertain significance for Agammaglobulinemia 8b, autosomal recessive; Agammaglobulinemia 8, autosomal dominant. Review status: criteria provided, single submitter. Criteria: ACMG Guidelines, 2015. Collection method: clinical testing. Allele origin: germline.
Comment: the same text as in the submission from Center for Genomics, Ann and Robert H. Lurie Children's Hospital of Chicago above.

NM_003200.5(TCF3):c.229G>A (p.Glu77Lys)

Gene: TCF3 (transcription factor 3; minus strand). Cytogenetic location: 19p13.3.
Variant type: single nucleotide variant.
Coding change: c.229G>A on transcript NM_003200.5 (MANE Select); coding-DNA position 229, G replaced by A.
Protein change: p.Glu77Lys; replaces glutamic acid 77 with lysine.
Molecular consequence: missense variant.
Genome position (GRCh38, 1-based): chr19:1,632,107, C>T on the plus strand (G>A on the coding strand, the complement: TCF3 is on the minus strand). VCF-style: chr19-1632107-C-T. GRCh37 (hg19) VCF-style: chr19-1632106-C-T.
Other names: c.229G>A, p.Glu77Lys (NM_001136139.4, NM_001351778.2, NM_001351779.2); c.229G>A (NM_003200.3); short protein forms E77K.
Identifiers: ClinVar variation 626027 (VCV000626027.10), dbSNP rs138963927, ClinGen allele CA9050524.